The following is an entry in ClinVar:

NM_004304.5(ALK):c.1649T>C (p.Leu550Pro)

Gene: ALK (ALK receptor tyrosine kinase; minus strand). Cytogenetic location: 2p23.2.
Variant type: single nucleotide variant.
Coding change: c.1649T>C on transcript NM_004304.5 (MANE Select); coding-DNA position 1649, T replaced by C.
Protein change: p.Leu550Pro; replaces leucine 550 with proline.
Molecular consequence: missense variant.
Genome position (GRCh38, 1-based): chr2:29,297,056, A>G on the plus strand (T>C on the coding strand, the complement: ALK is on the minus strand). VCF-style: chr2-29297056-A-G. GRCh37 (hg19) VCF-style: chr2-29519922-A-G.
Other names: short protein forms L550P.
Identifiers: ClinVar variation 3223798 (VCV003223798.1), dbSNP rs2465372316, ClinGen allele CA346466714.

ClinVar aggregate classification (germline): Uncertain significance (1 of 4 stars; one submission).

Conditions:
Hereditary cancer-predisposing syndrome. Also called: Tumor predisposition; Hereditary neoplastic syndrome; Hereditary Cancer Syndrome; Neoplastic Syndromes, Hereditary. Identifiers: Orphanet 140162, MedGen C0027672, MeSH D009386, MONDO:0015356.

Allele frequency attached by ClinVar (database versions not stated): gnomAD exomes below 0.00001.
gnomAD v4.1: 1 of 1,614,104 alleles (0.000062%); highest among the groups gnomAD compares: Non-Finnish European, 0.000085%; no homozygotes.

Submission:

Ambry Genetics
Classification: Uncertain significance for Hereditary cancer-predisposing syndrome. Last evaluated: 2024-03-06. Review status: criteria provided, single submitter. Criteria: Ambry Variant Classification Scheme 2023. Collection method: clinical testing. Allele origin: germline.
Comment: The p.L550P variant (also known as c.1649T>C), located in coding exon 9 of the ALK gene, results from a T to C substitution at nucleotide position 1649. The leucine at codon 550 is replaced by proline, an amino acid with similar properties. This amino acid position is conserved. In addition, the in silico prediction for this alteration is inconclusive. Based on the available evidence, the clinical significance of this alteration remains unclear.